The following is an entry in ClinVar:

NM_000078.3(CETP):c.597+2T>A

Genes: CETP (cholesteryl ester transfer protein; plus strand), LOC130059064 (ATAC-STARR-seq lymphoblastoid active region 10867; plus strand). Cytogenetic location: 16q13.
Variant type: single nucleotide variant.
Coding change: c.597+2T>A on transcript NM_000078.3 (MANE Select); the canonical splice donor site of the intron after coding-DNA position 597, T replaced by A.
Molecular consequence: splice donor variant.
Genome position (GRCh38, 1-based): chr16:56,971,104, T>A. VCF-style: chr16-56971104-T-A. GRCh37 (hg19) VCF-style: chr16-57005016-T-A.
Other names: c.597+2T>A (NM_001286085.2).
Identifiers: ClinVar variation 2074162 (VCV002074162.4), dbSNP rs2543647032, ClinGen allele CA396000689.
Genomic context (GRCh38, chr16:56,971,104, plus strand): 5'-TCAAGCAGCTGTTCACAAATTTCATCTCCTTCACCCTGAAGCTGGTCCTGAAGGGACAGG[T>A]GAGTGAGGCTGGCTGACTCCCTGTGGTCCAGGGCCATGCCCAGGAGGCTGGATCCCTTTC-3'

ClinVar aggregate classification (germline): Uncertain significance (1 of 4 stars; one submission).

Allele frequency attached by ClinVar (database versions not stated): gnomAD exomes 0.00001.
gnomAD v4.1: 3 of 1,613,706 alleles (0.00019%); highest among the groups gnomAD compares: Non-Finnish European, 0.00025%; no homozygotes.

Submission:

Labcorp Genetics (formerly Invitae), Labcorp
Classification: Uncertain significance. Last evaluated: 2022-01-10. Review status: criteria provided, single submitter. Criteria: Invitae Variant Classification Sherloc (09022015). Collection method: clinical testing. Allele origin: germline.
Comment: This variant is not present in population databases (gnomAD no frequency). Algorithms developed to predict the effect of sequence changes on RNA splicing suggest that this variant may disrupt the consensus splice site. Disruption of this splice site has been observed in individual(s) with dyslipidemia (PMID: 32041611). This sequence change affects a donor splice site in intron 6 of the CETP gene. It is expected to disrupt RNA splicing. Variants that disrupt the donor or acceptor splice site typically lead to a loss of protein function (PMID: 16199547), however the current clinical and genetic evidence is not sufficient to establish whether loss-of-function variants in CETP cause disease. In summary, the available evidence is currently insufficient to determine the role of this variant in disease. Therefore, it has been classified as a Variant of Uncertain Significance.

Literature cited by the submitters: PubMed 32041611; PubMed 16199547.